The following is an entry in ClinVar:

Conditions:
Breast-ovarian cancer, familial, susceptibility to, 1 (BROVCA1). Also called: BRCA1 Hereditary Breast and Ovarian Cancer; OVARIAN CANCER, SUSCEPTIBILITY TO. Identifiers: Orphanet 145, MedGen C2676676, MONDO:0011450, OMIM 604370. Disease mechanism: loss of function.

Submission:

Brotman Baty Institute, University of Washington
No classification provided (evidence only). Condition: Breast-ovarian cancer, familial 1. Review status: no classification provided. Collection method: in vitro. Allele origin: not applicable. Functional consequence: functionally_normal.
ClinVar note: "not provided" was previously submitted as the classification for the variant. However, the classification appeared to be based only on an observation of functional data so it was converted to no classification on 2025-07-30.

NM_007294.4(BRCA1):c.5147A>T (p.Tyr1716Phe)

Gene: BRCA1 (BRCA1 DNA repair associated; minus strand). Cytogenetic location: 17q21.31.
Variant type: single nucleotide variant.
Coding change: c.5147A>T on transcript NM_007294.4 (MANE Select); coding-DNA position 5147, A replaced by T.
Protein change: p.Tyr1716Phe; replaces tyrosine 1716 with phenylalanine.
Molecular consequence: missense variant. On other transcripts: non-coding transcript variant (1).
Genome position (GRCh38, 1-based): chr17:43,063,879, T>A on the plus strand (A>T on the coding strand, the complement: BRCA1 is on the minus strand). VCF-style: chr17-43063879-T-A. GRCh37 (hg19) VCF-style: chr17-41215896-T-A.
Other names: c.5021A>T, p.Tyr1674Phe (NM_001407676.1, NM_001407677.1, NM_001407678.1 and 10 more transcripts); c.5018A>T, p.Tyr1673Phe (NM_001407681.1, NM_001407682.1, NM_001407683.1 and 6 more transcripts); c.5006A>T, p.Tyr1669Phe (NM_001407694.1, NM_001407695.1, NM_001407696.1 and 13 more transcripts); c.5003A>T, p.Tyr1668Phe (NM_001407738.1, NM_001407739.1, NM_001407740.1 and 21 more transcripts); c.5000A>T, p.Tyr1667Phe (NM_001407843.1, NM_001407844.1, NM_001407845.1 and 12 more transcripts); c.4937A>T, p.Tyr1646Phe (NM_001407879.1, NM_001407881.1, NM_001407882.1 and 5 more transcripts); c.4934A>T, p.Tyr1645Phe (NM_001407894.1, NM_001407908.1, NM_001407909.1 and 12 more transcripts); c.4931A>T, p.Tyr1644Phe (NM_001407915.1, NM_001407916.1, NM_001407917.1 and 1 more transcripts); and 71 more; short protein forms Y1669F, Y1716F, Y612F, Y1737F, Y1587F, Y1588F, Y1603F, Y1644F.
Identifiers: ClinVar variation 868711 (VCV000868711.3), dbSNP rs587782456, ClinGen allele CA10591252.
Genomic context (GRCh38, chr17:43,063,879, plus strand): 5'-AAAATGCAATTCTGAGGTGTTAAAGGGAGGAGGGGAGAAATAGTATTATACTTACAGAAA[T>A]AGCTAACTACCCATTTTCCTCCCGCAATTCCTAGAAAATATTTCAGTGTCCGTTCACACA-3'
Protein context (NP_009225.1, residues 1706-1726): GIAGGKWVVS[Tyr1716Phe]FWVTQSIKER